The following is an entry in ClinVar:

ClinVar aggregate classification (germline): Uncertain significance. Review status: criteria provided, multiple submitters, no conflicts (2 of 4 stars). 5 submissions from 5 submitters: Uncertain significance (4). 1 of the submissions does not count toward it. Last evaluated 2025-10-01.

Conditions:
GUCY2D-related disorder. Also called: GUCY2D-related condition.
Retinal dystrophy. Also called: Inherited retinal dystrophy. Identifiers: Orphanet 71862, MedGen C0854723, MeSH D058499, MONDO:0019118, HP:0000556.
Cone-rod dystrophy 6 (CORD6). Also called: RETINAL CONE DYSTROPHY 2; Cone dystrophy progressive. Identifiers: Orphanet 1872, MedGen C1866293, MONDO:0011143, OMIM 601777.
Leber congenital amaurosis 1 (LCA1). Also called: RETINAL BLINDNESS, CONGENITAL; Congenital absence of the rods and cones; Leber's congenital tapetoretinal degeneration; Leber's congenital tapetoretinal dysplasia; AMAUROSIS CONGENITA OF LEBER I. Identifiers: Orphanet 65, MedGen C2931258, MONDO:0008764, OMIM 204000.

Allele frequency attached by ClinVar (database versions not stated): gnomAD 0.00001; ExAC 0.00002; TOPMed 0.00002.
gnomAD v4.1: 30 of 1,613,744 alleles (0.0019%); highest among the groups gnomAD compares: East Asian, 0.0022%; no homozygotes.

Submissions (5):

PreventionGenetics, part of Exact Sciences
Classification: Uncertain significance for GUCY2D-related condition. Last evaluated: 2025-10-01. Review status: criteria provided, single submitter. Criteria: ACMG Guidelines, 2015. Collection method: clinical testing. Allele origin: germline.
Comment: The GUCY2D c.1717A>G variant is predicted to result in the amino acid substitution p.Ile573Val. This variant has been reported in the heterozygous state in an individual with Leber congenital amaurosis (Zernant et al. 2005. PubMed ID: 16123401); however, this individual and the affected sibling also has a homozygous truncating variant in RPE65 and this heterozygous GUCY2D variant did not segregate with disease in this family. This variant is reported in 0.0035% of alleles in individuals of European (Non-Finnish) descent in gnomAD. At this time, the clinical significance of this variant is uncertain due to the absence of conclusive functional and genetic evidence.

Blueprint Genetics
Classification: Uncertain significance. Last evaluated: 2024-11-08. Review status: criteria provided, single submitter. Criteria: ACMG Guidelines, 2015. Collection method: clinical testing. Allele origin: germline.

Labcorp Genetics (formerly Invitae), Labcorp
Classification: Uncertain significance for Leber congenital amaurosis 1; Cone-rod dystrophy 6. Last evaluated: 2024-11-01. Review status: criteria provided, single submitter. Criteria: Invitae Variant Classification Sherloc (09022015). Collection method: clinical testing. Allele origin: germline.
Comment: This sequence change replaces isoleucine, which is neutral and non-polar, with valine, which is neutral and non-polar, at codon 573 of the GUCY2D protein (p.Ile573Val). This variant is present in population databases (rs61749756, gnomAD 0.004%). This missense change has been observed in individual(s) with Leber congenital amaurosis (PMID: 16123401). ClinVar contains an entry for this variant (Variation ID: 98547). Invitae Evidence Modeling of protein sequence and biophysical properties (such as structural, functional, and spatial information, amino acid conservation, physicochemical variation, residue mobility, and thermodynamic stability) indicates that this missense variant is not expected to disrupt GUCY2D protein function with a negative predictive value of 80%. In summary, the available evidence is currently insufficient to determine the role of this variant in disease. Therefore, it has been classified as a Variant of Uncertain Significance.

Institute of Human Genetics, Univ. Regensburg, Univ. Regensburg
Classification: Uncertain significance for Retinal dystrophy. Last evaluated: 2022-01-01. Review status: criteria provided, single submitter. Criteria: ACMG Guidelines, 2015. Collection method: clinical testing. Allele origin: germline. Affected: yes.

Retina International
No classification provided. Review status: no classification provided. Collection method: not provided. Allele origin: not provided. Not counted in ClinVar's aggregate classification.

Literature cited by the submitters: PubMed 16123401 (cited by Labcorp Genetics (formerly Invitae), Labcorp and Institute of Human Genetics, Univ. Regensburg, Univ. Regensburg); PubMed 31964843 (cited by Institute of Human Genetics, Univ. Regensburg, Univ. Regensburg); PubMed 34426522 (cited by Institute of Human Genetics, Univ. Regensburg, Univ. Regensburg).

NM_000180.4(GUCY2D):c.1717A>G (p.Ile573Val)

Gene: GUCY2D (guanylate cyclase 2D, retinal; plus strand). Cytogenetic location: 17p13.1.
Variant type: single nucleotide variant.
Coding change: c.1717A>G on transcript NM_000180.4 (MANE Select); coding-DNA position 1717, A replaced by G.
Protein change: p.Ile573Val; replaces isoleucine 573 with valine.
Molecular consequence: missense variant.
Genome position (GRCh38, 1-based): chr17:8,009,554, A>G. VCF-style: chr17-8009554-A-G. GRCh37 (hg19) VCF-style: chr17-7912872-A-G.
Other names: short protein forms I573V.
Identifiers: ClinVar variation 98547 (VCV000098547.11), dbSNP rs61749756, ClinGen allele CA226055.